The following is an entry in ClinVar:

NM_020207.7(ERCC6L2):c.4328C>G (p.Ser1443Cys)

Gene: ERCC6L2 (ERCC excision repair 6 like 2; plus strand). Cytogenetic location: 9q22.32.
Variant type: single nucleotide variant.
Coding change: c.4328C>G on transcript NM_020207.7 (MANE Select); coding-DNA position 4328, C replaced by G.
Protein change: p.Ser1443Cys; replaces serine 1443 with cysteine.
Molecular consequence: missense variant. On other transcripts: non-coding transcript variant (1), intron variant (2).
Genome position (GRCh38, 1-based): chr9:96,012,878, C>G. VCF-style: chr9-96012878-C-G. GRCh37 (hg19) VCF-style: chr9-98775160-C-G.
Other names: c.3674+8177C>G (NM_001375291.1, NM_001375292.1); short protein forms S1443C.
Identifiers: ClinVar variation 2109400 (VCV002109400.4), dbSNP rs2490775335, ClinGen allele CA466123177.

ClinVar aggregate classification (germline): Uncertain significance (1 of 4 stars; one submission).

gnomAD v4.1: 1 of 1,367,660 alleles (0.000073%); no homozygotes.

Submission:

Labcorp Genetics (formerly Invitae), Labcorp
Classification: Uncertain significance. Last evaluated: 2025-06-12. Review status: criteria provided, single submitter. Criteria: Invitae Variant Classification Sherloc (09022015). Collection method: clinical testing. Allele origin: germline.
Comment: This sequence change replaces serine, which is neutral and polar, with cysteine, which is neutral and slightly polar, at codon 1454 of the ERCC6L2 protein (p.Ser1454Cys). This variant is not present in population databases (gnomAD no frequency). This variant has not been reported in the literature in individuals affected with ERCC6L2-related conditions. ClinVar contains an entry for this variant (Variation ID: 2109400). Experimental studies and prediction algorithms are not available or were not evaluated, and the functional significance of this variant is currently unknown. In summary, the available evidence is currently insufficient to determine the role of this variant in disease. Therefore, it has been classified as a Variant of Uncertain Significance.